The following is an entry in ClinVar:

NM_015087.5(SPART):c.68C>A (p.Ala23Asp)

Gene: SPART (spartin; minus strand). Cytogenetic location: 13q13.3.
Variant type: single nucleotide variant.
Coding change: c.68C>A on transcript NM_015087.5 (MANE Select); coding-DNA position 68, C replaced by A.
Protein change: p.Ala23Asp; replaces alanine 23 with aspartic acid.
Molecular consequence: missense variant.
Genome position (GRCh38, 1-based): chr13:36,335,763, G>T on the plus strand (C>A on the coding strand, the complement: SPART is on the minus strand). VCF-style: chr13-36335763-G-T. GRCh37 (hg19) VCF-style: chr13-36909900-G-T.
Other names: c.68C>A, p.Ala23Asp (NM_001142294.2, NM_001142295.2, NM_001142296.2); short protein forms A23D.
Identifiers: ClinVar variation 424442 (VCV000424442.11), dbSNP rs753340463, ClinGen allele CA6949693.
Genomic context (GRCh38, chr13:36,335,763, plus strand): 5'-TTTGCTTCTTCCTTCTGACCTAATTCATCTGTATTCAGACCTTTGTTAACAAATAAAAAG[G>T]CCTTCTTATATGCTTCTCTGATGATCTTAATTTCAGCAGGTTCTCCATTTTGTGGCTCTT-3'
Protein context (NP_055902.1, residues 13-33): IKIIREAYKK[Ala23Asp]FLFVNKGLNT

ClinVar aggregate classification (germline): Uncertain significance. Review status: criteria provided, multiple submitters, no conflicts (2 of 4 stars). 3 submissions from 3 submitters: Uncertain significance (3). Last evaluated 2024-10-24.

Allele frequency attached by ClinVar (database versions not stated): gnomAD 0.00001; TOPMed 0.00005; gnomAD exomes 0.00009 and 0.00020; ExAC 0.00018.
gnomAD v4.1: 56 of 1,613,728 alleles (0.0035%); highest among the groups gnomAD compares: Admixed American, 0.093%; no homozygotes.

Submissions (3):

Labcorp Genetics (formerly Invitae), Labcorp
Classification: Uncertain significance. Last evaluated: 2024-10-24. Review status: criteria provided, single submitter. Criteria: Invitae Variant Classification Sherloc (09022015). Collection method: clinical testing. Allele origin: germline.
Comment: This sequence change replaces alanine, which is neutral and non-polar, with aspartic acid, which is acidic and polar, at codon 23 of the SPART protein (p.Ala23Asp). This variant is present in population databases (rs753340463, gnomAD 0.1%). This variant has not been reported in the literature in individuals affected with SPART-related conditions. ClinVar contains an entry for this variant (Variation ID: 424442). Invitae Evidence Modeling of protein sequence and biophysical properties (such as structural, functional, and spatial information, amino acid conservation, physicochemical variation, residue mobility, and thermodynamic stability) has been performed for this missense variant. However, the output from this modeling did not meet the statistical confidence thresholds required to predict the impact of this variant on SPART protein function. In summary, the available evidence is currently insufficient to determine the role of this variant in disease. Therefore, it has been classified as a Variant of Uncertain Significance.

Mayo Clinic Laboratories, Mayo Clinic
Classification: Uncertain significance. Last evaluated: 2019-07-15. Review status: criteria provided, single submitter. Criteria: ACMG Guidelines, 2015. Collection method: clinical testing. Allele origin: germline. Observed: 1 variant allele.

GeneDx
Classification: Uncertain significance. Last evaluated: 2017-03-22. Review status: criteria provided, single submitter. Criteria: GeneDx Variant Classification (06012015). Collection method: clinical testing. Allele origin: germline. Affected: yes.
Comment: A variant of uncertain significance has been identified in the SPG20 gene. The A23D variant has not been published as a pathogenic variant, nor has it been reported as a benign variant to our knowledge. The A23D variant is observed in 22/11548 (0.2%) alleles from individuals of Latino background (Lek et al., 2016; 1000 Genomes Consortium et al., 2015; Exome Variant Server). The A23D variant is a non-conservative amino acid substitution, which is likely to impact secondary protein structure as these residues differ in polarity, charge, size and/or other properties. This substitution occurs at a position that is conserved across species and in silico analysis predicts this variant is probably damaging to the protein structure/function. However, missense variants have not been reported in Human Gene Mutation Database in association with SPG20-related disorders (Stenson et al., 2014), supporting the functional importance of this region of the protein. Therefore, based on the currently available information, it is unclear whether this variant is a pathogenic variant or a rare benign variant.